The following is an entry in ClinVar:

ClinVar aggregate classification (germline): Likely pathogenic (1 of 4 stars; one submission).

Conditions:
Nemaline myopathy 2 (NEM2). Also called: Nemaline myopathy 2, autosomal recessive. Identifiers: MedGen C1850569, MONDO:0009725, OMIM 256030.

Submission:

Natera, Inc.
Classification: Likely pathogenic for Nemaline myopathy type 2. Last evaluated: 2025-01-02. Review status: criteria provided, single submitter. Criteria: Natera Variant Classification Schema (03/2026). Collection method: clinical testing. Allele origin: germline.
Comment: The c.17769dup variant in NEB is a frameshift variant predicted to shift the reading frame beginning at codon 5924 and leads to a stop codon 21 codons downstream. This variant is expected to result in nonsense mediated decay, truncation, or a dysfunctional protein product. This variant is rare in the general population with a frequency below the threshold expected for the associated phenotype(s). Given the available evidence, this variant is classified as Likely Pathogenic.

NM_001164508.2(NEB):c.17769dup (p.Ala5924fs)

Gene: NEB (nebulin; minus strand). Cytogenetic location: 2q23.3.
Variant type: Duplication.
Coding change: c.17769dup on transcript NM_001164508.2 (MANE Select); coding-DNA position 17769, one base duplicated (A; older notation c.17769dupA).
Protein change: p.Ala5924fs; shifts the reading frame from alanine 5924.
Molecular consequence: frameshift variant.
Genome position (GRCh38, 1-based): chr2:151,568,146, T duplicated on the plus strand (A on the coding strand, the reverse complement: NEB is on the minus strand); the first of 5 consecutive T bases (chr2:151,568,146-151,568,150); duplicating any one gives the same sequence. VCF-style (leftmost placement, unchanged base first): chr2-151568145-C-CT. GRCh37 (hg19) VCF-style: chr2-152424659-C-CT.
Other names: c.12666dup, p.Ala4223fs (NM_004543.5); c.17769dup, p.Ala5924fs (NM_001164507.2, NM_001271208.2); c.17769dup (NM_001271208.1); short protein forms A4223fs, A5924fs.
Identifiers: ClinVar variation 4814737 (VCV004814737.1).
Genomic context (GRCh38, chr2:151,568,145, plus strand): 5'-CATTGCAGTGATGGGCATGAACAAATGGCACAGCATCTGGAGGCAAAATGTAACCTGTGG[C>CT]TTTTTGTCTCTCCCAGCCTTCCTTGTAGAGATACTGAAAGACAGAGCCACCATAAAGGGT-3'